The following is an entry in ClinVar:

ClinVar aggregate classification (germline): Pathogenic. Review status: criteria provided, multiple submitters, no conflicts (2 of 4 stars). 4 submissions from 4 submitters: Pathogenic (2). 2 of the submissions do not count toward it. Last evaluated 2023-06-30.

Conditions:
Menkes kinky-hair syndrome (MNK). Also called: Menkes Disease; Copper transport disease; Classic Menkes Disease. Identifiers: Orphanet 565, MedGen C0022716, MONDO:0010651, OMIM 309400.
Cutis laxa, X-linked (OHS). Also called: EDS IX; Occipital horn syndrome. Identifiers: Orphanet 198, MedGen C0268353, MONDO:0010572, OMIM 304150.

Submissions (4):

GeneDx
Classification: Pathogenic. Last evaluated: 2023-06-30. Review status: criteria provided, single submitter. Criteria: GeneDx Variant Classification Process June 2021. Collection method: clinical testing. Allele origin: germline. Affected: yes.
Comment: Published functional studies demonstrate a damaging effect; N1304S resulted in a significant decrease in copper-transporting capacity with approximately 33% residual copper transport activity compared to wild-type (Tang et al., 2006; Vonk et al., 2012); Not observed at significant frequency in large population cohorts (gnomAD); In silico analysis supports that this missense variant has a deleterious effect on protein structure/function; This variant is associated with the following publications: (PMID: 21667063, 18256395, 17108763, 28451781)

Genetic Services Laboratory, University of Chicago
Classification: Pathogenic for Menkes disease. Last evaluated: 2013-02-08. Review status: criteria provided, single submitter. Criteria: ACMG Guidelines, 2007. Collection method: clinical testing. Allele origin: germline. Affected: yes.

Inherited Neuropathy Consortium Ii, University Of Miami
Classification: Uncertain significance for Cutis laxa, X-linked. Last evaluated: 2016-01-06. Review status: no assertion criteria provided. Collection method: literature only. Allele origin: germline. Affected: yes. Not counted in ClinVar's aggregate classification.

OMIM
Classification: Pathogenic for OCCIPITAL HORN SYNDROME. Last evaluated: 2006-11-01. Review status: no assertion criteria provided. Collection method: literature only. Allele origin: germline. Not counted in ClinVar's aggregate classification.

Literature cited by the submitters: PubMed 15981243 (cited by Inherited Neuropathy Consortium Ii, University Of Miami); PubMed 17108763 (cited by OMIM).

NM_000052.7(ATP7A):c.3911A>G (p.Asn1304Ser)

Gene: ATP7A (ATPase copper transporting alpha; plus strand). Cytogenetic location: Xq21.1.
Variant type: single nucleotide variant.
Coding change: c.3911A>G on transcript NM_000052.7 (MANE Select); coding-DNA position 3911, A replaced by G.
Protein change: p.Asn1304Ser; replaces asparagine 1304 with serine.
Molecular consequence: missense variant. On other transcripts: non-coding transcript variant (1).
Genome position (GRCh38, 1-based): chrX:78,042,694, A>G. VCF-style: chrX-78042694-A-G. GRCh37 (hg19) VCF-style: chrX-77298192-A-G.
Other names: c.3677A>G, p.Asn1226Ser (NM_001282224.2); c.3911A>G (NM_000052.6); short protein forms N1304S, N1226S.
Identifiers: ClinVar variation 11792 (VCV000011792.9), dbSNP rs151340632, ClinGen allele CA256071.
Genomic context (GRCh38, chrX:78,042,694, plus strand): 5'-CTAAAGTGAAGCAACTTCAAGAGGAGGGGAAACGGGTAGCAATGGTGGGAGATGGAATCA[A>G]TGACTCCCCAGCTCTGGCAATGGCTAATGTGGGAATTGCTATTGGCACAGGCACAGATGT-3'
Protein context (NP_000043.4, residues 1294-1314): KRVAMVGDGI[Asn1304Ser]DSPALAMANV